The following is an entry in ClinVar:

NM_000391.4(TPP1):c.565C>T (p.Gln189Ter)

Gene: TPP1 (tripeptidyl peptidase 1; minus strand). Cytogenetic location: 11p15.4.
Variant type: single nucleotide variant.
Coding change: c.565C>T on transcript NM_000391.4 (MANE Select); coding-DNA position 565, C replaced by T.
Protein change: p.Gln189Ter; replaces glutamine 189 with a stop codon.
Molecular consequence: nonsense.
Genome position (GRCh38, 1-based): chr11:6,617,097, G>A on the plus strand (C>T on the coding strand, the complement: TPP1 is on the minus strand). VCF-style: chr11-6617097-G-A. GRCh37 (hg19) VCF-style: chr11-6638328-G-A.
Other names: short protein forms Q189*.
Identifiers: ClinVar variation 3026111 (VCV003026111.22), dbSNP rs2493799479, ClinGen allele CA379475552.

ClinVar aggregate classification (germline): Pathogenic (1 of 4 stars; one submission).

Submission:

CeGaT Center for Human Genetics Tuebingen
Classification: Pathogenic. Last evaluated: 2024-02-01. Review status: criteria provided, single submitter. Criteria: CeGaT Center For Human Genetics Tuebingen Variant Classification Criteria Version 2. Collection method: clinical testing. Allele origin: germline. Affected: yes. Observed: 1 variant allele.
Comment: TPP1: PVS1, PM2, PM3